The following is an entry in ClinVar:

ClinVar aggregate classification (germline): Pathogenic. Review status: criteria provided, multiple submitters, no conflicts (2 of 4 stars). 2 submissions from 2 submitters: Pathogenic (2). Last evaluated 2024-12-09.

Conditions:
Duane-radial ray syndrome (DRRS). Also called: ACRORENOOCULAR SYNDROME; DR SYNDROME; DUANE ANOMALY WITH RADIAL RAY ABNORMALITIES AND DEAFNESS; Duane-Radial Ray Syndrome (DRRS) / Okihiro Syndrome; Okihiro Syndrome; Duane-Radial Ray Syndrome/Okihiro Syndrome. Identifiers: Orphanet 93293, Orphanet 959, MedGen C1623209, MONDO:0011812, OMIM 607323. Disease mechanism: gain of function.

Submissions (2):

GeneDx
Classification: Pathogenic. Last evaluated: 2024-12-09. Review status: criteria provided, single submitter. Criteria: GeneDx Variant Classification Process June 2021. Collection method: clinical testing. Allele origin: germline. Affected: yes.
Comment: Nonsense variant predicted to result in protein truncation or nonsense mediated decay in a gene for which loss of function is a known mechanism of disease; Not observed at significant frequency in large population cohorts (gnomAD); This variant is associated with the following publications: (PMID: 36714562, 37611564, 31502745)

Labcorp Genetics (formerly Invitae), Labcorp
Classification: Pathogenic for Duane-radial ray syndrome. Last evaluated: 2021-04-25. Review status: criteria provided, single submitter. Criteria: Invitae Variant Classification Sherloc (09022015). Collection method: clinical testing. Allele origin: germline.
Comment: This sequence change creates a premature translational stop signal (p.Arg573*) in the SALL4 gene. It is expected to result in an absent or disrupted protein product. Loss-of-function variants in SALL4 are known to be pathogenic (PMID: 15342710, 16086360). This variant is not present in population databases (ExAC no frequency). This variant has been observed in individual(s) with clinical features of Okihiro syndrome (PMID: 31502745). For these reasons, this variant has been classified as Pathogenic.

Literature cited by the submitters: PubMed 15342710 (cited by Labcorp Genetics (formerly Invitae), Labcorp); PubMed 16086360 (cited by Labcorp Genetics (formerly Invitae), Labcorp); PubMed 31502745 (cited by Labcorp Genetics (formerly Invitae), Labcorp).

NM_020436.5(SALL4):c.1717C>T (p.Arg573Ter)

Gene: SALL4 (spalt like transcription factor 4; minus strand). Cytogenetic location: 20q13.2.
Variant type: single nucleotide variant.
Coding change: c.1717C>T on transcript NM_020436.5 (MANE Select); coding-DNA position 1717, C replaced by T.
Protein change: p.Arg573Ter; replaces arginine 573 with a stop codon.
Molecular consequence: nonsense. On other transcripts: intron variant (1).
Genome position (GRCh38, 1-based): chr20:51,790,766, G>A on the plus strand (C>T on the coding strand, the complement: SALL4 is on the minus strand). VCF-style: chr20-51790766-G-A. GRCh37 (hg19) VCF-style: chr20-50407305-G-A.
Other names: c.1717C>T (NM_020436.3); c.1150+567C>T (NM_001318031.2); short protein forms R573*.
Identifiers: ClinVar variation 1455097 (VCV001455097.9), dbSNP rs2078032400, ClinGen allele CA409009359.